The following is an entry in ClinVar:

ClinVar aggregate classification (germline): Pathogenic (1 of 4 stars; one submission).

Conditions:
Epidermolysis bullosa simplex 5B, with muscular dystrophy (EBS5B). Also called: EPIDERMOLYSIS BULLOSA SIMPLEX AND LIMB-GIRDLE MUSCULAR DYSTROPHY; Epidermolysis bullosa simplex with muscular dystrophy. Identifiers: Orphanet 257, MedGen C2931072, MONDO:0009181, OMIM 226670.
Autosomal recessive limb-girdle muscular dystrophy type 2Q (LGMDR17). Also called: MUSCULAR DYSTROPHY, LIMB-GIRDLE, AUTOSOMAL RECESSIVE 17. Identifiers: Orphanet 254361, MedGen C3150989, MONDO:0013390, OMIM 613723.
Epidermolysis bullosa simplex, Ogna type (EBS5A). Also called: Pidermolysis bullosa simplex 5A, Ogna type; EPIDERMOLYSIS BULLOSA SIMPLEX 5A, OGNA TYPE. Identifiers: Orphanet 79401, MedGen C0432317, MONDO:0007555, OMIM 131950.
Epidermolysis bullosa simplex 5C, with pyloric atresia (EBS5C). Also called: PLEC-Related Epidermolysis Bullosa with Pyloric Atresia; Epidermolysis bullosa simplex with pyloric atresia; PLEC1-Related Epidermolysis Bullosa with Pyloric Atresia. Identifiers: Orphanet 158684, MedGen C2677349, MONDO:0012807, OMIM 612138.
Epidermolysis bullosa simplex with nail dystrophy (EBS5D). Identifiers: MedGen C4225309, MONDO:0014661, OMIM 616487.

Submission:

Labcorp Genetics (formerly Invitae), Labcorp
Classification: Pathogenic for Autosomal recessive limb-girdle muscular dystrophy type 2Q; Epidermolysis bullosa simplex, Ogna type; Epidermolysis bullosa simplex with nail dystrophy; Epidermolysis bullosa simplex 5C, with pyloric atresia; Epidermolysis bullosa simplex 5B, with muscular dystrophy. Last evaluated: 2024-10-29. Review status: criteria provided, single submitter. Criteria: Invitae Variant Classification Sherloc (09022015). Collection method: clinical testing. Allele origin: germline.
Comment: This sequence change creates a premature translational stop signal (p.Ala2682Glufs*52) in the PLEC gene. While this is not anticipated to result in nonsense mediated decay, it is expected to disrupt the last 1893 amino acid(s) of the PLEC protein. This variant is not present in population databases (gnomAD no frequency). This variant has not been reported in the literature in individuals affected with PLEC-related conditions. ClinVar contains an entry for this variant (Variation ID: 2172655). This variant disrupts a region of the PLEC protein in which other variant(s) (p.Ser4396*) have been determined to be pathogenic (internal data). This suggests that this is a clinically significant region of the protein, and that variants that disrupt it are likely to be disease-causing. For these reasons, this variant has been classified as Pathogenic.

NM_201384.3(PLEC):c.7964_7968del (p.Ala2655fs)

Gene: PLEC (plectin; minus strand). Cytogenetic location: 8q24.3.
Variant type: Deletion.
Coding change: c.7964_7968del on transcript NM_201384.3 (MANE Select); coding-DNA positions 7964 to 7968, 5 bases deleted (CTCAG; older notation c.7964_7968delCTCAG).
Protein change: p.Ala2655fs; shifts the reading frame from alanine 2655.
Molecular consequence: frameshift variant.
Genome position (GRCh38, 1-based): chr8:143,921,853-143,921,857, CTGAG deleted on the plus strand (CTCAG on the coding strand, the reverse complement: PLEC is on the minus strand); deleting any 5 consecutive bases within chr8:143,921,853-143,921,861 gives the same sequence; the c. name uses the placement nearest the transcript's 3' end. VCF-style (leftmost placement, unchanged base first): chr8-143921852-TCTGAG-T. GRCh37 (hg19) VCF-style: chr8-144996020-TCTGAG-T.
Other names: c.8045_8049del, p.Ala2682fs (NM_000445.5); c.4660_4664delTCAGC, p.Ala1555Glufs (NM_001410941.1); c.7922_7926del, p.Ala2641fs (NM_201378.4); c.7898_7902del, p.Ala2633fs (NM_201379.3); c.8375_8379del, p.Ala2792fs (NM_201380.4); c.7868_7872del, p.Ala2623fs (NM_201381.3); c.7964_7968del, p.Ala2655fs (NM_201382.4); c.7976_7980del, p.Ala2659fs (NM_201383.3); short protein forms A2623fs, A2655fs, A2682fs, A2633fs, A2792fs, A2641fs, A2659fs.
Identifiers: ClinVar variation 2172655 (VCV002172655.4), dbSNP rs2537519119, ClinGen allele CA2580078636.